The following is an entry in ClinVar:

NM_001384140.1(PCDH15):c.2134G>A (p.Asp712Asn)

Gene: PCDH15 (protocadherin related 15; minus strand). Cytogenetic location: 10q21.1.
Variant type: single nucleotide variant.
Coding change: c.2134G>A on transcript NM_001384140.1 (MANE Select); coding-DNA position 2134, G replaced by A.
Protein change: p.Asp712Asn; replaces aspartic acid 712 with asparagine.
Molecular consequence: missense variant.
Genome position (GRCh38, 1-based): chr10:54,066,843, C>T on the plus strand (G>A on the coding strand, the complement: PCDH15 is on the minus strand). VCF-style: chr10-54066843-C-T. GRCh37 (hg19) VCF-style: chr10-55826603-C-T.
Other names: c.2149G>A, p.Asp717Asn (NM_001142763.2, NM_001142771.2); c.2134G>A, p.Asp712Asn (NM_001142764.2, NM_001142766.2, NM_001142770.3 and 5 more transcripts); c.1921G>A, p.Asp641Asn (NM_001142765.2); c.2023G>A, p.Asp675Asn (NM_001142767.2); c.2068G>A, p.Asp690Asn (NM_001142768.2, NM_001142773.2, NM_001354404.2); c.2170G>A, p.Asp724Asn (NM_001142769.4); c.2155G>A, p.Asp719Asn (NM_001354411.2); short protein forms D712N, D717N, D719N, D690N, D724N, D641N, D675N.
Identifiers: ClinVar variation 1359754 (VCV001359754.5), dbSNP rs1485361682, ClinGen allele CA376517246.
Genomic context (GRCh38, chr10:54,066,843, plus strand): 5'-CTTCTTCTTCCACCACAGATAAATTTCTTGGCAGATAAGGATCAAACACTGGAGCATTGT[C>T]ATTGACATCTGTCACCACTATGTTTACTGTGGCAGTTGAGGTCTTAAAGAAAAACACAAG-3'
Protein context (NP_001371069.1, residues 702-722): TVNIVVTDVN[Asp712Asn]NAPVFDPYLP

ClinVar aggregate classification (germline): Uncertain significance (1 of 4 stars; one submission).

Allele frequency attached by ClinVar (database versions not stated): gnomAD exomes below 0.00001; gnomAD 0.00001; TOPMed 0.00001.
gnomAD v4.1: 18 of 1,613,284 alleles (0.0011%); highest among the groups gnomAD compares: East Asian, 0.0022%; no homozygotes.

Submission:

Labcorp Genetics (formerly Invitae), Labcorp
Classification: Uncertain significance. Last evaluated: 2022-07-26. Review status: criteria provided, single submitter. Criteria: Invitae Variant Classification Sherloc (09022015). Collection method: clinical testing. Allele origin: germline.
Comment: This sequence change replaces aspartic acid, which is acidic and polar, with asparagine, which is neutral and polar, at codon 712 of the PCDH15 protein (p.Asp712Asn). This variant is present in population databases (no rsID available, gnomAD 0.0009%). This variant has not been reported in the literature in individuals affected with PCDH15-related conditions. ClinVar contains an entry for this variant (Variation ID: 1359754). Algorithms developed to predict the effect of missense changes on protein structure and function (SIFT, PolyPhen-2, Align-GVGD) all suggest that this variant is likely to be tolerated. In summary, the available evidence is currently insufficient to determine the role of this variant in disease. Therefore, it has been classified as a Variant of Uncertain Significance.